The following is an entry in ClinVar:

NM_013275.6(ANKRD11):c.3466C>G (p.Arg1156Gly)

Gene: ANKRD11 (ankyrin repeat domain 11; minus strand). Cytogenetic location: 16q24.3.
Variant type: single nucleotide variant.
Coding change: c.3466C>G on transcript NM_013275.6 (MANE Select); coding-DNA position 3466, C replaced by G.
Protein change: p.Arg1156Gly; replaces arginine 1156 with glycine.
Molecular consequence: missense variant.
Genome position (GRCh38, 1-based): chr16:89,283,076, G>C on the plus strand (C>G on the coding strand, the complement: ANKRD11 is on the minus strand). VCF-style: chr16-89283076-G-C. GRCh37 (hg19) VCF-style: chr16-89349484-G-C.
Other names: c.3466C>G, p.Arg1156Gly (NM_001256182.2, NM_001256183.2); short protein forms R1156G.
Identifiers: ClinVar variation 2414824 (VCV002414824.6), dbSNP rs964523960, ClinGen allele CA397159739.
Genomic context (GRCh38, chr16:89,283,076, plus strand): 5'-GCCTCTCAGGGTGCTGCTTGTCAGAAGACTTCCTGTGTCTGTCGGAGGCATAGGCCTCCC[G>C]TCCTTCCTCCTTCTCCTGGAGGCCGTCCGTCCTCGGCAAGTCGCTGGCCTCTCCCATCTT-3'
Protein context (NP_037407.4, residues 1146-1166): TDGLQEKEEG[Arg1156Gly]EAYASDRHRK

ClinVar aggregate classification (germline): Uncertain significance (1 of 4 stars; one submission).

Conditions:
KBG syndrome (KBGS). Also called: ANKRD11-Related KBG Syndrome. Identifiers: Orphanet 2332, MedGen C0220687, MONDO:0007846, OMIM 148050.

Submission:

Labcorp Genetics (formerly Invitae), Labcorp
Classification: Uncertain significance for KBG syndrome. Last evaluated: 2024-10-30. Review status: criteria provided, single submitter. Criteria: Invitae Variant Classification Sherloc (09022015). Collection method: clinical testing. Allele origin: germline.
Comment: This sequence change replaces arginine, which is basic and polar, with glycine, which is neutral and non-polar, at codon 1156 of the ANKRD11 protein (p.Arg1156Gly). This variant is not present in population databases (gnomAD no frequency). This variant has not been reported in the literature in individuals affected with ANKRD11-related conditions. ClinVar contains an entry for this variant (Variation ID: 2414824). Invitae Evidence Modeling of protein sequence and biophysical properties (such as structural, functional, and spatial information, amino acid conservation, physicochemical variation, residue mobility, and thermodynamic stability) indicates that this missense variant is not expected to disrupt ANKRD11 protein function with a negative predictive value of 95%. In summary, the available evidence is currently insufficient to determine the role of this variant in disease. Therefore, it has been classified as a Variant of Uncertain Significance.